The following is an entry in ClinVar:

ClinVar aggregate classification (germline): Uncertain significance (1 of 4 stars; one submission).

Conditions:
PLXNA1-related disorder. Also called: PLXNA1-related condition.

gnomAD v4.1: 11 of 1,611,748 alleles (0.00068%); highest among the groups gnomAD compares: Middle Eastern, 0.017%; no homozygotes.

Submission:

PreventionGenetics, part of Exact Sciences
Classification: Uncertain significance for PLXNA1-related condition. Last evaluated: 2026-01-04. Review status: criteria provided, single submitter. Criteria: ACMG Guidelines, 2015. Collection method: clinical testing. Allele origin: germline.
Comment: The PLXNA1 c.2750C>T variant is predicted to result in the amino acid substitution p.Ala917Val. To our knowledge, this variant has not been reported in the literature. This variant is reported in 0.0033% of alleles in individuals of South Asian descent in gnomAD. At this time, the clinical significance of this variant is uncertain due to the absence of conclusive functional and genetic evidence.

NM_032242.4(PLXNA1):c.2750C>T (p.Ala917Val)

Gene: PLXNA1 (plexin A1; plus strand). Cytogenetic location: 3q21.3.
Variant type: single nucleotide variant.
Coding change: c.2750C>T on transcript NM_032242.4 (MANE Select); coding-DNA position 2750, C replaced by T.
Protein change: p.Ala917Val; replaces alanine 917 with valine.
Molecular consequence: missense variant.
Genome position (GRCh38, 1-based): chr3:127,014,623, C>T. VCF-style: chr3-127014623-C-T. GRCh37 (hg19) VCF-style: chr3-126733466-C-T.
Other names: short protein forms A917V.
Identifiers: ClinVar variation 4984497 (VCV004984497.1).
Genomic context (GRCh38, chr3:127,014,623, plus strand): 5'-GTCTGGGCGTGCGCGTGGGCAAGGTGCTGTGCAGCCCTGTGGAGAGCGAGTACATCAGTG[C>T]GGAGCAGTGAGTGCAGCCCTGGGTGTGTGCGGGGCGGGACGGGACGGGGCGGGGCTCCTG-3'
Protein context (NP_115618.3, residues 907-927): CSPVESEYIS[Ala917Val]EQIVCEIGDA